The following is an entry in ClinVar:

ClinVar aggregate classification (germline): Uncertain significance. Review status: criteria provided, multiple submitters, no conflicts (2 of 4 stars). 2 submissions from 2 submitters: Uncertain significance (2). Last evaluated 2023-12-18.

Conditions:
Cardiomyopathy (CMYO). Also called: Cardiomyopathies. Identifiers: Orphanet 167848, MedGen C0878544, MONDO:0004994, HP:0001638. Inheritance: Various modes of inheritance.
Hypertrophic cardiomyopathy. Also called: HYPERTROPHIC MYOCARDIOPATHY. Identifiers: Orphanet 217569, MedGen C0007194, MeSH D002312, MONDO:0005045, HP:0001639.

Allele frequency attached by ClinVar (database versions not stated): TOPMed below 0.00001; ExAC 0.00002.

Submissions (2):

All of Us Research Program, National Institutes of Health
Classification: Uncertain significance for Hypertrophic cardiomyopathy. Last evaluated: 2023-12-18. Review status: criteria provided, single submitter. Criteria: ACMG Guidelines, 2015. Collection method: clinical testing. Allele origin: germline. Inheritance: Autosomal dominant inheritance. Observed: 1 variant allele, 1 heterozygote.
Comment: This variant alters the translation initiation codon of the MYL3 mRNA. This variant is expected to disrupt translation initiation and result in an absent or truncated protein product. To our knowledge, functional studies have not been reported for this variant. This variant has been reported in an individual affected with hypertrophic cardiomyopathy (PMID: 33495597). This variant has been identified in 3/250524 chromosomes in the general population by the Genome Aggregation Database (gnomAD). Clinical relevance of loss-of-function MYL3 truncation variants in autosomal dominant cardiovascular disorders is not clearly established. The available evidence is insufficient to determine the role of this variant in disease conclusively. Therefore, this variant is classified as a Variant of Uncertain Significance.

This study involves interpretation of variants in research participants for the purpose of population health screening. Participant phenotype was not available at the time of variant classification. Additional details can be found in publication PMID: 35346344, PMCID: PMC8962531

Color Diagnostics, LLC DBA Color Health
Classification: Uncertain significance for Cardiomyopathy. Last evaluated: 2023-04-24. Review status: criteria provided, single submitter. Criteria: ACMG Guidelines, 2015. Collection method: clinical testing. Allele origin: germline.
Comment: This variant alters the translation initiation codon of the MYL3 mRNA. This variant is expected to disrupt translation initiation and result in an absent or truncated protein product. To our knowledge, functional studies have not been reported for this variant. This variant has been reported in an individual affected with hypertrophic cardiomyopathy (PMID: 33495597). This variant has been identified in 3/250524 chromosomes in the general population by the Genome Aggregation Database (gnomAD). Clinical relevance of loss-of-function MYL3 truncation variants in autosomal dominant cardiovascular disorders is not clearly established. The available evidence is insufficient to determine the role of this variant in disease conclusively. Therefore, this variant is classified as a Variant of Uncertain Significance.

Literature cited by the submitters: PubMed 33495597 (cited by All of Us Research Program, National Institutes of Health and Color Diagnostics, LLC DBA Color Health).

NM_000258.3(MYL3):c.1A>G (p.Met1Val)

Gene: MYL3 (myosin light chain 3; minus strand). Cytogenetic location: 3p21.31.
Variant type: single nucleotide variant.
Coding change: c.1A>G on transcript NM_000258.3 (MANE Select); coding-DNA position 1, A replaced by G.
Protein change: p.Met1Val; changes the start codon (methionine 1).
Molecular consequence: missense variant, initiator codon variant.
Genome position (GRCh38, 1-based): chr3:46,863,390, T>C on the plus strand (A>G on the coding strand, the complement: MYL3 is on the minus strand). VCF-style: chr3-46863390-T-C. GRCh37 (hg19) VCF-style: chr3-46904880-T-C.
Other names: short protein forms M1V.
Identifiers: ClinVar variation 2773990 (VCV002773990.3), dbSNP rs760875293, ClinGen allele CA043090.
Genomic context (GRCh38, chr3:46,863,390, plus strand): 5'-GAGCTGCCTTGGGGGCTGCCTTGGCATCATCCTTCTTGGGCTCTGGCTTTTTGGGGGCCA[T>C]TGGGGGCTGTAAGTACAGAGAGGGATGTGGAGAGAAGAATGCAGAAAGCAGGGTAGGTGA-3'
Protein context (NP_000249.1, residues 1-11): [Met1Val]APKKPEPKKD